The following is an entry in ClinVar:

ClinVar aggregate classification (germline): Uncertain significance (1 of 4 stars; one submission).

Conditions:
Muscular dystrophy-dystroglycanopathy (congenital with brain and eye anomalies), type A, 7. Also called: WALKER-WARBURG SYNDROME OR MUSCLE-EYE-BRAIN DISEASE, ISPD-RELATED; Congenital muscular dystrophy-dystroglycanopathy with brain and eye anomalies, type A7. Identifiers: Orphanet 899, MedGen C3553330, MONDO:0013835, OMIM 614643.

Submission:

Victorian Clinical Genetics Services, Murdoch Childrens Research Institute
Classification: Uncertain significance for Muscular dystrophy-dystroglycanopathy (congenital with brain and eye anomalies), type A, 7. Last evaluated: 2022-02-02. Review status: criteria provided, single submitter. Criteria: ACMG Guidelines, 2015. Collection method: clinical testing. Allele origin: germline. Inheritance: Autosomal recessive inheritance. Affected: yes.
Comment: Based on the classification scheme VCGS_Germline_v1.3.4, this variant is classified as VUS-3A. Following criteria are met: 0102 - Loss of function is a known mechanism of disease in this gene and is associated with muscular dystrophy-dystroglycanopathy (congenital with brain and eye anomalies), type A, 7 (MIM#614643) and muscular dystrophy-dystroglycanopathy (limb-girdle), type C, 7 (MIM#616052). (I) 0106 - This gene is associated with autosomal recessive disease. (I) 0205 - Variant is predicted to result in a truncated protein (premature termination codon is NOT located at least 54 nucleotides upstream of the final exon-exon junction) with less than 1/3 of the protein sequence affected. (SP) 0251 - This variant is heterozygous. (I) 0304 - Variant is present in gnomAD (v2) <0.01 for a recessive condition (2 heterozygotes, 0 homozygotes). (SP) 0600 - Variant is located in the annotated D-ribitol-5-phosphate cytidylyltransferase C-terminal domain (NCBI conserved domain). (I) 0704 - Another protein truncating variant comparable to the one identified in this case has limited previous evidence for pathogenicity. The p.(Glu439Ter) variant has been classified once as pathogenic and has been described to be in trans with a pathogenic variant (ClinVar). (SP) 0807 - This variant has no previous evidence of pathogenicity. (I) 0905 - No published segregation evidence has been identified for this variant. (I) 1007 - No published functional evidence has been identified for this variant. (I) 1208 - Inheritance information for this variant is not currently available in this individual. (I) Legend: (SP) - Supporting pathogenic, (I) - Information, (SB) - Supporting benign

NM_001101426.4(CRPPA):c.1206del (p.Glu403fs)

Genes: CRPPA (CDP-L-ribitol pyrophosphorylase A; minus strand), CRPPA-AS1 (CRPPA antisense RNA 1; plus strand). Cytogenetic location: 7p21.2.
Variant type: Deletion.
Coding change: c.1206del on transcript NM_001101426.4 (MANE Select); coding-DNA position 1206, one base deleted (A; older notation c.1206delA).
Protein change: p.Glu403fs; shifts the reading frame from glutamic acid 403.
Molecular consequence: frameshift variant. On other transcripts: non-coding transcript variant (1).
Genome position (GRCh38, 1-based): chr7:16,216,111, T deleted on the plus strand (A on the coding strand, the reverse complement: CRPPA is on the minus strand); the first of 4 consecutive T bases (chr7:16,216,111-16,216,114); deleting any one gives the same sequence. VCF-style (leftmost placement, unchanged base first): chr7-16216110-CT-C. GRCh37 (hg19) VCF-style: chr7-16255735-CT-C.
Other names: c.1056del, p.Glu353fs (NM_001101417.4); c.1101del, p.Glu368fs (NM_001368197.1); short protein forms E353fs, E368fs, E403fs.
Identifiers: ClinVar variation 1805074 (VCV001805074.1), dbSNP rs762062865, ClinGen allele CA4169354.